The following is an entry in ClinVar:

NM_001267550.2(TTN):c.84011A>G (p.Lys28004Arg)

Genes: TTN-AS1 (TTN antisense RNA 1; plus strand), TTN (titin; minus strand). Cytogenetic location: 2q31.2.
Variant type: single nucleotide variant.
Coding change: c.84011A>G on transcript NM_001267550.2 (MANE Select); coding-DNA position 84011, A replaced by G.
Protein change: p.Lys28004Arg; replaces lysine 28004 with arginine.
Molecular consequence: missense variant.
Genome position (GRCh38, 1-based): chr2:178,562,121, T>C on the plus strand (A>G on the coding strand, the complement: TTN is on the minus strand). VCF-style: chr2-178562121-T-C. GRCh37 (hg19) VCF-style: chr2-179426848-T-C.
Other names: c.79088A>G, p.Lys26363Arg (NM_001256850.1); c.56816A>G, p.Lys18939Arg (NM_003319.4); c.76307A>G, p.Lys25436Arg (NM_133378.4); c.57191A>G, p.Lys19064Arg (NM_133432.3); c.57392A>G, p.Lys19131Arg (NM_133437.4); short protein forms K28004R, K19064R, K19131R, K26363R, K25436R, K18939R.
Identifiers: ClinVar variation 535614 (VCV000535614.4), dbSNP rs776987640, ClinGen allele CA1988844.
Genomic context (GRCh38, chr2:178,562,121, plus strand): 5'-TCCTTAATAGATAGTGATGTTACAGTCTTTGAAGAAGAAACATTGACTCTAGTTGTCTCT[T>C]TAAGAGTCTGACCATCTTTTCTCCAGTTCACAGTAGCTTGAGGTCTTCCTTTGAATGGCA-3'
Protein context (NP_001254479.2, residues 27994-28014): VNWRKDGQTL[Lys28004Arg]ETTRVNVSSS

ClinVar aggregate classification (germline): Uncertain significance. Review status: criteria provided, single submitter (1 of 4 stars). 2 submissions from 2 submitters: Uncertain significance (1). 1 of the submissions does not count toward it. Last evaluated 2017-12-05.

Conditions:
TTN-related disorder. Also called: TTN-related disorders; TTN-related condition; TTN-related disease.
Autosomal recessive limb-girdle muscular dystrophy type 2J (LGMDR10). Also called: Limb-girdle muscular dystrophy, type 2J; MUSCULAR DYSTROPHY, LIMB-GIRDLE, AUTOSOMAL RECESSIVE 10. Identifiers: Orphanet 140922, MedGen C1837342, MONDO:0012127, OMIM 608807.
Dilated cardiomyopathy 1G (CMD1G). Identifiers: Orphanet 154, MedGen C1858763, MONDO:0011400, OMIM 604145.

Allele frequency attached by ClinVar (database versions not stated): gnomAD exomes below 0.00001; TOPMed below 0.00001; ExAC 0.00001; gnomAD 0.00001.
gnomAD v4.1: 1 of 1,613,160 alleles (0.000062%); highest among the groups gnomAD compares: Non-Finnish European, 0.000085%; no homozygotes.

Submissions (2):

Labcorp Genetics (formerly Invitae), Labcorp
Classification: Uncertain significance for Dilated cardiomyopathy 1G; Autosomal recessive limb-girdle muscular dystrophy type 2J. Last evaluated: 2017-12-05. Review status: criteria provided, single submitter. Criteria: Invitae Variant Classification Sherloc (09022015). Collection method: clinical testing. Allele origin: germline.

PreventionGenetics, part of Exact Sciences
Classification: Uncertain significance for TTN-related condition. Last evaluated: 2024-06-26. Review status: no assertion criteria provided. Collection method: clinical testing. Allele origin: germline. Not counted in ClinVar's aggregate classification.
Comment: The TTN c.84011A>G variant is predicted to result in the amino acid substitution p.Lys28004Arg. To our knowledge, this variant has not been reported in the literature. This variant is reported in 0.00090% of alleles in individuals of European (Non-Finnish) descent in gnomAD. At this time, the clinical significance of this variant is uncertain due to the absence of conclusive functional and genetic evidence.